The following is an entry in ClinVar:

ClinVar aggregate classification (germline): Uncertain significance (1 of 4 stars; one submission).

Conditions:
Cardiovascular phenotype. Identifiers: MedGen CN230736.

Submission:

Ambry Genetics
Classification: Uncertain significance for Cardiovascular phenotype. Last evaluated: 2023-02-11. Review status: criteria provided, single submitter. Criteria: Ambry Variant Classification Scheme 2023. Collection method: clinical testing. Allele origin: germline.
Comment: The p.E1066Q variant (also known as c.3196G>C), located in coding exon 22 of the MYH6 gene, results from a G to C substitution at nucleotide position 3196. The glutamic acid at codon 1066 is replaced by glutamine, an amino acid with highly similar properties. This amino acid position is conserved. In addition, this alteration is predicted to be deleterious by in silico analysis. Since supporting evidence is limited at this time, the clinical significance of this alteration remains unclear.

NM_002471.4(MYH6):c.3196G>C (p.Glu1066Gln)

Gene: MYH6 (myosin heavy chain 6; minus strand). Cytogenetic location: 14q11.2.
Variant type: single nucleotide variant.
Coding change: c.3196G>C on transcript NM_002471.4 (MANE Select); coding-DNA position 3196, G replaced by C.
Protein change: p.Glu1066Gln; replaces glutamic acid 1066 with glutamine.
Molecular consequence: missense variant.
Genome position (GRCh38, 1-based): chr14:23,392,967, C>G on the plus strand (G>C on the coding strand, the complement: MYH6 is on the minus strand). VCF-style: chr14-23392967-C-G. GRCh37 (hg19) VCF-style: chr14-23862176-C-G.
Other names: short protein forms E1066Q.
Identifiers: ClinVar variation 2452928 (VCV002452928.2), dbSNP rs560965568, ClinGen allele CA389009216.